The following is an entry in ClinVar:

ClinVar aggregate classification (germline): Uncertain significance (1 of 4 stars; one submission).

Conditions:
Anauxetic dysplasia. Identifiers: Orphanet 93347, MedGen C1846796, MONDO:0011773.

Allele frequency attached by ClinVar (database versions not stated): TOPMed 0.00001.

Submission:

Labcorp Genetics (formerly Invitae), Labcorp
Classification: Uncertain significance for Anauxetic dysplasia. Last evaluated: 2022-02-03. Review status: criteria provided, single submitter. Criteria: Invitae Variant Classification Sherloc (09022015). Collection method: clinical testing. Allele origin: germline.
Comment: This variant occurs in the RMRP gene, which encodes an RNA molecule that does not result in a protein product. This variant is not present in population databases (gnomAD no frequency). This variant has not been reported in the literature in individuals affected with RMRP-related conditions. Experimental studies and prediction algorithms are not available or were not evaluated, and the functional significance of this variant is currently unknown. In summary, the available evidence is currently insufficient to determine the role of this variant in disease. Therefore, it has been classified as a Variant of Uncertain Significance.

NC_000009.12:g.35657828A>G

Gene: RMRP (RNA component of mitochondrial RNA processing endoribonuclease; minus strand). Cytogenetic location: 9p13.3.
Variant type: single nucleotide variant.
Genome position: GRCh38 VCF-style: chr9-35657828-A-G. GRCh37 (hg19) VCF-style: chr9-35657825-A-G.
Identifiers: ClinVar variation 1426721 (VCV001426721.3), dbSNP rs1303560278, ClinGen allele CA464450599.